The following is an entry in ClinVar:

ClinVar aggregate classification (germline): Uncertain significance (1 of 4 stars; one submission).

Submission:

Labcorp Genetics (formerly Invitae), Labcorp
Classification: Uncertain significance. Last evaluated: 2026-01-01. Review status: criteria provided, single submitter. Criteria: Invitae Variant Classification Sherloc (09022015). Collection method: clinical testing. Allele origin: germline.
Comment: This sequence change replaces aspartic acid, which is acidic and polar, with tyrosine, which is neutral and polar, at codon 251 of the ROBO2 protein (p.Asp251Tyr). This variant is not present in population databases (gnomAD no frequency). This variant has not been reported in the literature in individuals affected with ROBO2-related conditions. Invitae Evidence Modeling of protein sequence and biophysical properties (such as structural, functional, and spatial information, amino acid conservation, physicochemical variation, residue mobility, and thermodynamic stability) indicates that this missense variant is not expected to disrupt ROBO2 protein function with a negative predictive value of 95%. In summary, the available evidence is currently insufficient to determine the role of this variant in disease. Therefore, it has been classified as a Variant of Uncertain Significance.

NM_001395656.1(ROBO2):c.751G>T (p.Asp251Tyr)

Gene: ROBO2 (roundabout guidance receptor 2; plus strand). Cytogenetic location: 3p12.3.
Variant type: single nucleotide variant.
Coding change: c.751G>T on transcript NM_001395656.1 (MANE Select); coding-DNA position 751, G replaced by T.
Protein change: p.Asp251Tyr; replaces aspartic acid 251 with tyrosine.
Molecular consequence: missense variant. On other transcripts: 5 prime UTR variant (1).
Genome position (GRCh38, 1-based): chr3:77,493,327, G>T. VCF-style: chr3-77493327-G-T. GRCh37 (hg19) VCF-style: chr3-77542478-G-T.
Other names: c.799G>T, p.Asp267Tyr (NM_001128929.3, NM_001378190.1, NM_001378191.1 and 5 more transcripts); c.751G>T, p.Asp251Tyr (NM_001290039.2, NM_001290040.2, NM_001378193.1 and 3 more transcripts); c.-1168G>T (NM_001290065.2); c.820G>T, p.Asp274Tyr (NM_001378192.1, NM_001378194.1, NM_001378198.1 and 5 more transcripts); short protein forms D251Y, D267Y, D274Y.
Identifiers: ClinVar variation 4801737 (VCV004801737.1).